The following is an entry in ClinVar:

ClinVar aggregate classification (germline): Benign (1 of 4 stars; one submission).

Allele frequency attached by ClinVar (database versions not stated): 1000 Genomes Project 0.00040; 1000 Genomes Project 30x 0.00047; TOPMed 0.00100; gnomAD 0.00127; gnomAD exomes 0.00147.
gnomAD v4.1: 836 of 603,708 alleles (0.14%); highest among the groups gnomAD compares: Non-Finnish European, 0.2%; 1 homozygote.

Submission:

CeGaT Center for Human Genetics Tuebingen
Classification: Benign. Last evaluated: 2022-08-01. Review status: criteria provided, single submitter. Criteria: CeGaT Center For Human Genetics Tuebingen Variant Classification Criteria Version 2. Collection method: clinical testing. Allele origin: germline. Affected: yes. Observed: 1 variant allele.
Comment: BRSK2: BS1, BS2

NM_001256627.2(BRSK2):c.1288-110G>A

Gene: BRSK2 (BR serine/threonine kinase 2; plus strand). Cytogenetic location: 11p15.5.
Variant type: single nucleotide variant.
Coding change: c.1288-110G>A on transcript NM_001256627.2 (MANE Select); 110 bases into the intron before coding-DNA position 1288, G replaced by A.
Molecular consequence: intron variant.
Genome position (GRCh38, 1-based): chr11:1,450,477, G>A. VCF-style: chr11-1450477-G-A. GRCh37 (hg19) VCF-style: chr11-1471707-G-A.
Other names: c.1426-110G>A (NM_001256630.1); c.1288-110G>A (NM_001256629.2, NM_003957.4); c.1108-110G>A (NM_001282218.2).
Identifiers: ClinVar variation 2641333 (VCV002641333.24), dbSNP rs567374484, ClinGen allele CA216134753.